The following is an entry in ClinVar:

NM_001277115.2(DNAH11):c.11418C>T (p.Phe3806=)

Gene: DNAH11 (dynein axonemal heavy chain 11; plus strand). Cytogenetic location: 7p15.3.
Variant type: single nucleotide variant.
Coding change: c.11418C>T on transcript NM_001277115.2 (MANE Select); coding-DNA position 11418, C replaced by T.
Protein change: p.Phe3806=; no amino-acid change (phenylalanine 3806 retained).
Molecular consequence: synonymous variant.
Genome position (GRCh38, 1-based): chr7:21,864,579, C>T. VCF-style: chr7-21864579-C-T. GRCh37 (hg19) VCF-style: chr7-21904197-C-T.
Identifiers: ClinVar variation 178734 (VCV000178734.47), dbSNP rs187814474, ClinGen allele CA182906.

ClinVar aggregate classification (germline): Benign/Likely benign. Review status: criteria provided, multiple submitters, no conflicts (2 of 4 stars). 6 submissions from 6 submitters: Benign (1); Likely benign (4). 1 of the submissions does not count toward it. Last evaluated 2026-01-22.

Conditions:
DNAH11-related disorder. Also called: DNAH11-related condition.
Primary ciliary dyskinesia. Also called: Ciliary dyskinesia. Identifiers: Orphanet 244, MedGen C0008780, MONDO:0016575, HP:0012265.

Allele frequency attached by ClinVar (database versions not stated): 1000 Genomes Project 30x 0.00016; 1000 Genomes Project 0.00020; TOPMed 0.00034; gnomAD 0.00036; gnomAD exomes 0.00036 and 0.00070; ExAC 0.00068; ESP Exome Variant Server 0.00084.
gnomAD v4.1: 591 of 1,612,014 alleles (0.037%); highest among the groups gnomAD compares: Middle Eastern, 0.23%; 2 homozygotes.

Submissions (6):

Labcorp Genetics (formerly Invitae), Labcorp
Classification: Benign for Primary ciliary dyskinesia. Last evaluated: 2026-01-22. Review status: criteria provided, single submitter. Criteria: Invitae Variant Classification Sherloc (09022015). Collection method: clinical testing. Allele origin: germline.

Blueprint Genetics
Classification: Likely benign. Last evaluated: 2024-11-22. Review status: criteria provided, single submitter. Criteria: ACMG Guidelines, 2015. Collection method: clinical testing. Allele origin: germline.

CeGaT Center for Human Genetics Tuebingen
Classification: Likely benign. Last evaluated: 2023-05-01. Review status: criteria provided, single submitter. Criteria: CeGaT Center For Human Genetics Tuebingen Variant Classification Criteria Version 2. Collection method: clinical testing. Allele origin: germline. Affected: yes. Observed: 1 variant allele.
Comment: DNAH11: BP4

GeneDx
Classification: Likely benign. Last evaluated: 2019-03-19. Review status: criteria provided, single submitter. Criteria: GeneDx Variant Classification Process June 2021. Collection method: clinical testing. Allele origin: germline. Affected: yes.

Laboratory for Molecular Medicine, Mass General Brigham Personalized Medicine
Classification: Likely benign. Last evaluated: 2013-02-21. Review status: criteria provided, single submitter. Criteria: LMM Criteria. Collection method: clinical testing. Allele origin: germline. Observed: 1 variant allele.
Comment: Phe3806Phe in exon 70 of DNAH11: This variant is not expected to have clinical s ignificance because it does not alter an amino acid residue and is not located w ithin the splice consensus sequence. It has been identified in 0.1% (9/8202) of European American chromosomes from a broad population by the NHLBI Exome Sequenc ing Project.

PreventionGenetics, part of Exact Sciences
Classification: Likely benign for DNAH11-related condition. Last evaluated: 2023-04-08. Review status: no assertion criteria provided. Collection method: clinical testing. Allele origin: germline. Not counted in ClinVar's aggregate classification.
Comment: This variant is classified as likely benign based on ACMG/AMP sequence variant interpretation guidelines (Richards et al. 2015 PMID: 25741868, with internal and published modifications).